The following is an entry in ClinVar:

ClinVar aggregate classification (germline): Pathogenic (1 of 4 stars; one submission).

Conditions:
Neuronopathy, distal hereditary motor, autosomal recessive 4. Also called: NEUROPATHY, DISTAL HEREDITARY MOTOR, AUTOSOMAL RECESSIVE 4; Autosomal recessive lower motor neuron disease with childhood onset. Identifiers: Orphanet 206580, MedGen C1970211, MONDO:0012608, OMIM 611067.
Charcot-Marie-Tooth disease recessive intermediate C. Also called: CHARCOT-MARIE-TOOTH NEUROPATHY, RECESSIVE INTERMEDIATE C. Identifiers: Orphanet 369867, MedGen C3809309, MONDO:0014154, OMIM 615376.

Allele frequency attached by ClinVar (database versions not stated): gnomAD exomes 0.00001.
gnomAD v4.1: 10 of 1,610,952 alleles (0.00062%); highest among the groups gnomAD compares: Non-Finnish European, 0.00076%; no homozygotes.

Submission:

Labcorp Genetics (formerly Invitae), Labcorp
Classification: Pathogenic for Neuronopathy, distal hereditary motor, autosomal recessive 4; Charcot-Marie-Tooth disease recessive intermediate C. Last evaluated: 2025-07-28. Review status: criteria provided, single submitter. Criteria: Invitae Variant Classification Sherloc (09022015). Collection method: clinical testing. Allele origin: germline.
Comment: This sequence change creates a premature translational stop signal (p.Glu720*) in the PLEKHG5 gene. It is expected to result in an absent or disrupted protein product. Loss-of-function variants in PLEKHG5 are known to be pathogenic (PMID: 17564964, 23777631). This variant is not present in population databases (gnomAD no frequency). This variant has not been reported in the literature in individuals affected with PLEKHG5-related conditions. ClinVar contains an entry for this variant (Variation ID: 2925088). For these reasons, this variant has been classified as Pathogenic.

Literature cited by the submitters: PubMed 17564964; PubMed 23777631.

NM_020631.6(PLEKHG5):c.2158G>T (p.Glu720Ter)

Gene: PLEKHG5 (pleckstrin homology and RhoGEF domain containing G5; minus strand). Cytogenetic location: 1p36.31.
Variant type: single nucleotide variant.
Coding change: c.2158G>T on transcript NM_020631.6 (MANE Select); coding-DNA position 2158, G replaced by T.
Protein change: p.Glu720Ter; replaces glutamic acid 720 with a stop codon.
Molecular consequence: nonsense.
Genome position (GRCh38, 1-based): chr1:6,469,133, C>A on the plus strand (G>T on the coding strand, the complement: PLEKHG5 is on the minus strand). VCF-style: chr1-6469133-C-A. GRCh37 (hg19) VCF-style: chr1-6529193-C-A.
Other names: c.2158G>T, p.Glu720Ter (NM_198681.4, NM_001042665.2, NM_001265594.3 and 1 more transcripts); c.2269G>T, p.Glu757Ter (NM_001265592.2, NM_001042663.3); c.2365G>T, p.Glu789Ter (NM_001265593.2); short protein forms E720*, E757*, E789*.
Identifiers: ClinVar variation 2925088 (VCV002925088.3), dbSNP rs1349734606, ClinGen allele CA338118415.
Genomic context (GRCh38, chr1:6,469,133, plus strand): 5'-TCCGCATGATGGTAGGGGAGCTGGCAGCTGAAGTGCCACTGTCCTCGCCTTCCTCCTCCT[C>A]CTCCTCCTCCTCCTCTTCCTCCTCCTGCTCATCCTCCTCCTCTTCCAGGCTCTGCAGGGG-3'